The following is an entry in ClinVar:

ClinVar aggregate classification (germline): Likely benign. Review status: criteria provided, multiple submitters, no conflicts (2 of 4 stars). 2 submissions from 2 submitters: Likely benign (2). Last evaluated 2025-08-29.

Conditions:
CTDP1-related disorder. Also called: CTDP1-related condition.

Allele frequency attached by ClinVar (database versions not stated): ExAC 0.00001; gnomAD exomes 0.00001; TOPMed 0.00003.

Submissions (2):

PreventionGenetics, part of Exact Sciences
Classification: Likely benign for CTDP1-related condition. Last evaluated: 2025-08-29. Review status: criteria provided, single submitter. Criteria: ACMG Guidelines, 2015. Collection method: clinical testing. Allele origin: germline.
Comment: This variant is classified as likely benign based on ACMG/AMP sequence variant interpretation guidelines (Richards et al. 2015 PMID: 25741868, with internal and published modifications).

Labcorp Genetics (formerly Invitae), Labcorp
Classification: Likely benign. Last evaluated: 2024-01-01. Review status: criteria provided, single submitter. Criteria: Invitae Variant Classification Sherloc (09022015). Collection method: clinical testing. Allele origin: germline.

NM_004715.5(CTDP1):c.2475C>T (p.Asp825=)

Gene: CTDP1 (CTD phosphatase 1; plus strand). Cytogenetic location: 18q23.
Variant type: single nucleotide variant.
Coding change: c.2475C>T on transcript NM_004715.5 (MANE Select); coding-DNA position 2475, C replaced by T.
Protein change: p.Asp825=; no amino-acid change (aspartic acid 825 retained).
Molecular consequence: synonymous variant. On other transcripts: intron variant (1).
Genome position (GRCh38, 1-based): chr18:79,728,964, C>T. VCF-style: chr18-79728964-C-T. GRCh37 (hg19) VCF-style: chr18-77488964-C-T.
Other names: c.2118C>T, p.Asp706= (NM_001202504.1); c.2475C>T, p.Asp825= (NM_001318511.2); c.2418-7391C>T (NM_048368.4).
Identifiers: ClinVar variation 2186363 (VCV002186363.5), dbSNP rs752292488, ClinGen allele CA9010619.